The following is an entry in ClinVar:

ClinVar aggregate classification (germline): Conflicting classifications of pathogenicity. Review status: criteria provided, conflicting classifications (1 of 4 stars). 3 submissions from 3 submitters: Uncertain significance (2); Likely benign (1). Last evaluated 2023-10-03.

Conditions:
Inborn genetic diseases. Identifiers: MedGen C0950123, MeSH D030342.
Neutral lipid storage myopathy (NLSDM). Also called: NEUTRAL LIPID STORAGE DISEASE WITHOUT ICHTHYOSIS. Identifiers: Orphanet 98908, MedGen C1853136, MONDO:0012545, OMIM 610717.

Submissions (3):

Labcorp Genetics (formerly Invitae), Labcorp
Classification: Uncertain significance for Neutral lipid storage myopathy. Last evaluated: 2023-10-03. Review status: criteria provided, single submitter. Criteria: Invitae Variant Classification Sherloc (09022015). Collection method: clinical testing. Allele origin: germline.
Comment: This sequence change replaces glycine, which is neutral and non-polar, with glutamic acid, which is acidic and polar, at codon 292 of the PNPLA2 protein (p.Gly292Glu). The frequency data for this variant in the population databases is considered unreliable, as metrics indicate poor data quality at this position in the gnomAD database. This variant has not been reported in the literature in individuals affected with PNPLA2-related conditions. ClinVar contains an entry for this variant (Variation ID: 2177803). Advanced modeling of protein sequence and biophysical properties (such as structural, functional, and spatial information, amino acid conservation, physicochemical variation, residue mobility, and thermodynamic stability) performed at Invitae indicates that this missense variant is not expected to disrupt PNPLA2 protein function. In summary, the available evidence is currently insufficient to determine the role of this variant in disease. Therefore, it has been classified as a Variant of Uncertain Significance.

Ambry Genetics
Classification: Uncertain significance for Inborn genetic diseases. Last evaluated: 2023-05-17. Review status: criteria provided, single submitter. Criteria: Ambry Variant Classification Scheme 2023. Collection method: clinical testing. Allele origin: germline.

Blueprint Genetics
Classification: Likely benign. Last evaluated: 2023-05-08. Review status: criteria provided, single submitter. Criteria: ACMG Guidelines, 2015. Collection method: clinical testing. Allele origin: germline.

NM_020376.4(PNPLA2):c.875G>A (p.Gly292Glu)

Gene: PNPLA2 (patatin like domain 2, triacylglycerol lipase; plus strand). Cytogenetic location: 11p15.5.
Variant type: single nucleotide variant.
Coding change: c.875G>A on transcript NM_020376.4 (MANE Select); coding-DNA position 875, G replaced by A.
Protein change: p.Gly292Glu; replaces glycine 292 with glutamic acid.
Molecular consequence: missense variant.
Genome position (GRCh38, 1-based): chr11:823,811, G>A. VCF-style: chr11-823811-G-A. GRCh37 (hg19) VCF-style: chr11-823811-G-A.
Other names: c.875G>A (NM_020376.3); short protein forms G292E.
Identifiers: ClinVar variation 2177803 (VCV002177803.6), dbSNP rs748465075, ClinGen allele CA216970986.